The following is an entry in ClinVar:

NM_001273.5(CHD4):c.2892G>T (p.Lys964Asn)

Gene: CHD4 (chromodomain helicase DNA binding protein 4; minus strand). Cytogenetic location: 12p13.31.
Variant type: single nucleotide variant.
Coding change: c.2892G>T on transcript NM_001273.5 (MANE Select); coding-DNA position 2892, G replaced by T.
Protein change: p.Lys964Asn; replaces lysine 964 with asparagine.
Molecular consequence: missense variant.
Genome position (GRCh38, 1-based): chr12:6,592,449, C>A on the plus strand (G>T on the coding strand, the complement: CHD4 is on the minus strand). VCF-style: chr12-6592449-C-A. GRCh37 (hg19) VCF-style: chr12-6701615-C-A.
Other names: c.2871G>T, p.Lys957Asn (NM_001297553.2); c.2853G>T, p.Lys951Asn (NM_001363606.2); short protein forms K951N, K957N, K964N.
Identifiers: ClinVar variation 1310799 (VCV001310799.2), dbSNP rs2136214363, ClinGen allele CA383587805.

ClinVar aggregate classification (germline): Uncertain significance (1 of 4 stars; one submission).

Submission:

GeneDx
Classification: Uncertain significance. Last evaluated: 2019-11-27. Review status: criteria provided, single submitter. Criteria: GeneDx Variant Classification Process June 2021. Collection method: clinical testing. Allele origin: germline. Affected: yes.
Comment: Not observed in large population cohorts (Lek et al., 2016); In silico analysis, which includes protein predictors and evolutionary conservation, supports a deleterious effect; Has not been previously published as pathogenic or benign to our knowledge